The following is an entry in ClinVar:

ClinVar aggregate classification (germline): Uncertain significance. Review status: criteria provided, multiple submitters, no conflicts (2 of 4 stars). 2 submissions from 2 submitters: Uncertain significance (2). Last evaluated 2024-09-27.

gnomAD v4.1: 2 of 1,255,990 alleles (0.00016%); highest among the groups gnomAD compares: African/African-American, 0.0016%; no homozygotes.

Submissions (2):

Labcorp Genetics (formerly Invitae), Labcorp
Classification: Uncertain significance. Last evaluated: 2024-09-27. Review status: criteria provided, single submitter. Criteria: Invitae Variant Classification Sherloc (09022015). Collection method: clinical testing. Allele origin: germline.
Comment: This sequence change replaces arginine, which is basic and polar, with histidine, which is basic and polar, at codon 1371 of the NOTCH3 protein (p.Arg1371His). This variant is not present in population databases (gnomAD no frequency). This variant has not been reported in the literature in individuals affected with NOTCH3-related conditions. Invitae Evidence Modeling of protein sequence and biophysical properties (such as structural, functional, and spatial information, amino acid conservation, physicochemical variation, residue mobility, and thermodynamic stability) indicates that this missense variant is not expected to disrupt NOTCH3 protein function with a negative predictive value of 95%. In summary, the available evidence is currently insufficient to determine the role of this variant in disease. Therefore, it has been classified as a Variant of Uncertain Significance.

Blueprint Genetics
Classification: Uncertain significance. Last evaluated: 2023-02-13. Review status: criteria provided, single submitter. Criteria: ACMG Guidelines, 2015. Collection method: clinical testing. Allele origin: germline.

NM_000435.3(NOTCH3):c.4112G>A (p.Arg1371His)

Gene: NOTCH3 (notch receptor 3; minus strand). Cytogenetic location: 19p13.12.
Variant type: single nucleotide variant.
Coding change: c.4112G>A on transcript NM_000435.3 (MANE Select); coding-DNA position 4112, G replaced by A.
Protein change: p.Arg1371His; replaces arginine 1371 with histidine.
Molecular consequence: missense variant.
Genome position (GRCh38, 1-based): chr19:15,177,816, C>T on the plus strand (G>A on the coding strand, the complement: NOTCH3 is on the minus strand). VCF-style: chr19-15177816-C-T. GRCh37 (hg19) VCF-style: chr19-15288627-C-T.
Other names: short protein forms R1371H.
Identifiers: ClinVar variation 3700146 (VCV003700146.3).